The following is an entry in ClinVar:

ClinVar aggregate classification (germline): Uncertain significance (1 of 4 stars; one submission).

Allele frequency attached by ClinVar (database versions not stated): gnomAD exomes below 0.00001.

Submission:

Labcorp Genetics (formerly Invitae), Labcorp
Classification: Uncertain significance. Last evaluated: 2023-07-03. Review status: criteria provided, single submitter. Criteria: Invitae Variant Classification Sherloc (09022015). Collection method: clinical testing. Allele origin: germline.
Comment: This sequence change replaces phenylalanine, which is neutral and non-polar, with tyrosine, which is neutral and polar, at codon 38 of the GHSR protein (p.Phe38Tyr). This variant is present in population databases (no rsID available, gnomAD 0.0009%). This variant has not been reported in the literature in individuals affected with GHSR-related conditions. Advanced modeling of protein sequence and biophysical properties (such as structural, functional, and spatial information, amino acid conservation, physicochemical variation, residue mobility, and thermodynamic stability) performed at Invitae indicates that this missense variant is not expected to disrupt GHSR protein function. In summary, the available evidence is currently insufficient to determine the role of this variant in disease. Therefore, it has been classified as a Variant of Uncertain Significance.

NM_198407.2(GHSR):c.113T>A (p.Phe38Tyr)

Gene: GHSR (growth hormone secretagogue receptor; minus strand). Cytogenetic location: 3q26.31.
Variant type: single nucleotide variant.
Coding change: c.113T>A on transcript NM_198407.2 (MANE Select); coding-DNA position 113, T replaced by A.
Protein change: p.Phe38Tyr; replaces phenylalanine 38 with tyrosine.
Molecular consequence: missense variant.
Genome position (GRCh38, 1-based): chr3:172,448,301, A>T on the plus strand (T>A on the coding strand, the complement: GHSR is on the minus strand). VCF-style: chr3-172448301-A-T. GRCh37 (hg19) VCF-style: chr3-172166091-A-T.
Other names: c.113T>A, p.Phe38Tyr (NM_004122.2); short protein forms F38Y.
Identifiers: ClinVar variation 2881423 (VCV002881423.3), dbSNP rs1310688449, ClinGen allele CA355516577.